The following is an entry in ClinVar:

ClinVar aggregate classification (germline): Conflicting classifications of pathogenicity. Review status: criteria provided, conflicting classifications (1 of 4 stars). 8 submissions from 8 submitters: Uncertain significance (7); Likely benign (1). Last evaluated 2026-08-06.

Conditions:
Germ cell tumor of testis (TGCT). Also called: GERM CELL TUMOR, SOMATIC; Testicular germ cell tumor. Identifiers: Orphanet 363504, MedGen C1336708, MONDO:0010108, OMIM 273300.
Hereditary cancer-predisposing syndrome. Also called: Tumor predisposition; Neoplastic Syndromes, Hereditary; Hereditary Cancer Syndrome; Hereditary neoplastic syndrome. Identifiers: Orphanet 140162, MedGen C0027672, MeSH D009386, MONDO:0015356.
Melanoma, cutaneous malignant, susceptibility to, 1 (CMM1). Also called: DYSPLASTIC NEVUS SYNDROME, HEREDITARY; FAMILIAL ATYPICAL MOLE-MALIGNANT MELANOMA SYNDROME; B-K MOLE SYNDROME; MELANOMA, MALIGNANT. Identifiers: Orphanet 618, MedGen C1835047, MONDO:0007963, OMIM 155600.
Peutz-Jeghers syndrome (PJS). Also called: POLYPOSIS, HAMARTOMATOUS INTESTINAL; POLYPS-AND-SPOTS SYNDROME; Peutz-Jeghers polyposis; Periorificial lentiginosis syndrome. Identifiers: Orphanet 2869, MedGen C0031269, MeSH D010580, MONDO:0008280, OMIM 175200.

Allele frequency attached by ClinVar (database versions not stated): gnomAD exomes 0.00001.
gnomAD v4.1: 16 of 1,578,838 alleles (0.001%); highest among the groups gnomAD compares: Non-Finnish European, 0.0013%; no homozygotes.

Submissions (8):

OLLIN Analises Genomicas, OLLIN
Classification: Uncertain significance for Germ cell tumor of testis. Last evaluated: 2026-08-06. Review status: criteria provided, single submitter. Criteria: ACMG Guidelines 2015 PMID 25741868. Collection method: clinical testing. Allele origin: germline. Inheritance: Autosomal dominant inheritance.
Comment: This missense variant, located in exon 1 (of 10), has been reported in ClinVar (accession VCV000492547.24) and in gnomAD with an allele frequency of 0.00101%. However, to our knowledge, it has not been reported in the scientific literature. In silico analysis predicts that this variant has a tolerated effect. This variant is located in a region considered to be a mutational hotspot. According to the currently available evidence, this variant has been classified as uncertain significance (PM1, BP4_M).

Labcorp Genetics (formerly Invitae), Labcorp
Classification: Likely benign for Peutz-Jeghers syndrome. Last evaluated: 2025-10-01. Review status: criteria provided, single submitter. Criteria: Invitae Variant Classification Sherloc (09022015). Collection method: clinical testing. Allele origin: germline.

Baylor Genetics
Classification: Uncertain significance for Melanoma, cutaneous malignant, susceptibility to, 1. Last evaluated: 2024-03-14. Review status: criteria provided, single submitter. Criteria: ACMG Guidelines, 2015. Collection method: clinical testing. Allele origin: unknown.

Ambry Genetics
Classification: Uncertain significance for Hereditary cancer-predisposing syndrome. Last evaluated: 2024-03-07. Review status: criteria provided, single submitter. Criteria: Ambry Variant Classification Scheme 2023. Collection method: clinical testing. Allele origin: germline.
Comment: The p.E2A variant (also known as c.5A>C), located in coding exon 1 of the STK11 gene, results from an A to C substitution at nucleotide position 5. The glutamic acid at codon 2 is replaced by alanine, an amino acid with dissimilar properties. This amino acid position is poorly conserved in available vertebrate species. In addition, this alteration is predicted to be tolerated by in silico analysis. Based on the available evidence, the clinical significance of this alteration remains unclear.

Color Diagnostics, LLC DBA Color Health
Classification: Uncertain significance for Hereditary cancer-predisposing syndrome. Last evaluated: 2024-01-08. Review status: criteria provided, single submitter. Criteria: ACMG Guidelines, 2015. Collection method: clinical testing. Allele origin: germline.
Comment: This missense variant replaces glutamic acid with alanine at codon 2 of the STK11 protein. Computational prediction suggests that this variant may not impact protein structure and function. To our knowledge, functional studies have not been reported for this variant. This variant has not been reported in individuals affected with hereditary cancer in the literature. This variant has been identified in 1/193850 chromosomes in the general population by the Genome Aggregation Database (gnomAD). The available evidence is insufficient to determine the role of this variant in disease conclusively. Therefore, this variant is classified as a Variant of Uncertain Significance.

Quest Diagnostics Nichols Institute San Juan Capistrano
Classification: Uncertain significance. Last evaluated: 2023-04-11. Review status: criteria provided, single submitter. Criteria: Quest Diagnostics criteria. Collection method: clinical testing. Allele origin: unknown.
Comment: The frequency of this variant in the general population, 0.000026 (1/38566 chromosomes), is uninformative in assessment of its pathogenicity. In a large-scale breast cancer association study, the variant was observed in a healthy individual (PMID: 33471991 (2021), see also LOVD). Analysis of this variant using bioinformatics tools for the prediction of the effect of amino acid changes on protein structure and function yielded predictions that this variant is benign. Based on the available information, we are unable to determine the clinical significance of this variant.

Genome-Nilou Lab
Classification: Uncertain significance for Peutz-Jeghers syndrome. Last evaluated: 2021-07-15. Review status: criteria provided, single submitter. Criteria: ACMG Guidelines, 2015. Collection method: clinical testing. Allele origin: germline. Affected: no.

GeneDx
Classification: Uncertain significance. Last evaluated: 2019-09-04. Review status: criteria provided, single submitter. Criteria: GeneDx Variant Classification Process June 2021. Collection method: clinical testing. Allele origin: germline. Affected: yes.
Comment: Not observed at a significant frequency in large population cohorts (Lek 2016); In silico analysis, which includes protein predictors and evolutionary conservation, supports that this variant does not alter protein structure/function; Has not been previously published as pathogenic or benign to our knowledge

Literature cited by the submitters: PubMed 33471991 (cited by Quest Diagnostics Nichols Institute San Juan Capistrano).

NM_000455.5(STK11):c.5A>C (p.Glu2Ala)

Gene: STK11 (serine/threonine kinase 11; plus strand). Cytogenetic location: 19p13.3.
Variant type: single nucleotide variant.
Coding change: c.5A>C on transcript NM_000455.5 (MANE Select); coding-DNA position 5, A replaced by C.
Protein change: p.Glu2Ala; replaces glutamic acid 2 with alanine.
Molecular consequence: missense variant.
Genome position (GRCh38, 1-based): chr19:1,206,918, A>C. VCF-style: chr19-1206918-A-C. GRCh37 (hg19) VCF-style: chr19-1206917-A-C.
Other names: short protein forms E2A.
Identifiers: ClinVar variation 492547 (VCV000492547.25), dbSNP rs1159551738, ClinGen allele CA402942916.